The following is an entry in ClinVar:

NM_004525.3(LRP2):c.269A>T (p.Asp90Val)

Gene: LRP2 (LDL receptor related protein 2; minus strand). Cytogenetic location: 2q31.1.
Variant type: single nucleotide variant.
Coding change: c.269A>T on transcript NM_004525.3 (MANE Select); coding-DNA position 269, A replaced by T.
Protein change: p.Asp90Val; replaces aspartic acid 90 with valine.
Molecular consequence: missense variant.
Genome position (GRCh38, 1-based): chr2:169,318,803, T>A on the plus strand (A>T on the coding strand, the complement: LRP2 is on the minus strand). VCF-style: chr2-169318803-T-A. GRCh37 (hg19) VCF-style: chr2-170175313-T-A.
Other names: short protein forms D90V.
Identifiers: ClinVar variation 2054637 (VCV002054637.4), dbSNP rs2528664421, ClinGen allele CA349173631.

ClinVar aggregate classification (germline): Uncertain significance (1 of 4 stars; one submission).

Submission:

Labcorp Genetics (formerly Invitae), Labcorp
Classification: Uncertain significance. Last evaluated: 2022-11-22. Review status: criteria provided, single submitter. Criteria: Invitae Variant Classification Sherloc (09022015). Collection method: clinical testing. Allele origin: germline.
Comment: In summary, the available evidence is currently insufficient to determine the role of this variant in disease. Therefore, it has been classified as a Variant of Uncertain Significance. Algorithms developed to predict the effect of missense changes on protein structure and function are either unavailable or do not agree on the potential impact of this missense change (SIFT: "Deleterious"; PolyPhen-2: "Possibly Damaging"; Align-GVGD: "Class C0"). This variant has not been reported in the literature in individuals affected with LRP2-related conditions. This variant is not present in population databases (gnomAD no frequency). This sequence change replaces aspartic acid, which is acidic and polar, with valine, which is neutral and non-polar, at codon 90 of the LRP2 protein (p.Asp90Val).